The following is an entry in ClinVar:

NM_001283009.2(RTEL1):c.3479C>T (p.Thr1160Ile)

Genes: RTEL1 (regulator of telomere elongation helicase 1; plus strand), RTEL1-TNFRSF6B (RTEL1-TNFRSF6B readthrough (NMD candidate); plus strand). Cytogenetic location: 20q13.33.
Variant type: single nucleotide variant.
Coding change: c.3479C>T on transcript NM_001283009.2 (MANE Select); coding-DNA position 3479, C replaced by T.
Protein change: p.Thr1160Ile; replaces threonine 1160 with isoleucine.
Molecular consequence: missense variant. On other transcripts: non-coding transcript variant (1).
Genome position (GRCh38, 1-based): chr20:63,695,201, C>T. VCF-style: chr20-63695201-C-T. GRCh37 (hg19) VCF-style: chr20-62326554-C-T.
Other names: c.2810C>T, p.Thr937Ile (NM_001283010.1); c.3479C>T, p.Thr1160Ile (NM_016434.4); c.3551C>T, p.Thr1184Ile (NM_032957.5); short protein forms T1160I, T937I, T1184I.
Identifiers: ClinVar variation 854393 (VCV000854393.6), dbSNP rs754781364, ClinGen allele CA9966046.

ClinVar aggregate classification (germline): Uncertain significance (1 of 4 stars; one submission).

Conditions:
Dyskeratosis congenita, autosomal recessive 5 (DKCB5). Identifiers: MedGen C3554656, MONDO:0014076, OMIM 615190.
Pulmonary fibrosis and/or bone marrow failure, Telomere-related, 3. Also called: PULMONARY FIBROSIS AND/OR BONE MARROW FAILURE SYNDROME, TELOMERE-RELATED, 3. Identifiers: Orphanet 2032, MedGen C4225346, MONDO:0014613, OMIM 616373.

Allele frequency attached by ClinVar (database versions not stated): gnomAD exomes below 0.00001; ExAC 0.00001; TOPMed 0.00002; gnomAD 0.00003 and 0.00004.
gnomAD v4.1: 8 of 1,612,012 alleles (0.0005%); highest among the groups gnomAD compares: African/African-American, 0.0053%; no homozygotes.

Submission:

Labcorp Genetics (formerly Invitae), Labcorp
Classification: Uncertain significance for Dyskeratosis congenita, autosomal recessive 5; Pulmonary fibrosis and/or bone marrow failure, Telomere-related, 3. Last evaluated: 2024-08-13. Review status: criteria provided, single submitter. Criteria: Invitae Variant Classification Sherloc (09022015). Collection method: clinical testing. Allele origin: germline.
Comment: This sequence change replaces threonine, which is neutral and polar, with isoleucine, which is neutral and non-polar, at codon 1160 of the RTEL1 protein (p.Thr1160Ile). The frequency data for this variant in the population databases is considered unreliable, as metrics indicate poor data quality at this position in the gnomAD database. This variant has not been reported in the literature in individuals affected with RTEL1-related conditions. ClinVar contains an entry for this variant (Variation ID: 854393). An algorithm developed to predict the effect of missense changes on protein structure and function (PolyPhen-2) suggests that this variant is likely to be tolerated. In summary, the available evidence is currently insufficient to determine the role of this variant in disease. Therefore, it has been classified as a Variant of Uncertain Significance.